The following is an entry in ClinVar:

ClinVar aggregate classification (germline): Likely benign (1 of 4 stars; one submission).

Allele frequency attached by ClinVar (database versions not stated): gnomAD exomes 0.00001.
gnomAD v4.1: 3 of 1,614,122 alleles (0.00019%); highest among the groups gnomAD compares: Middle Eastern, 0.016%; no homozygotes.

Submission:

CeGaT Center for Human Genetics Tuebingen
Classification: Likely benign. Last evaluated: 2024-03-01. Review status: criteria provided, single submitter. Criteria: CeGaT Center For Human Genetics Tuebingen Variant Classification Criteria Version 2. Collection method: clinical testing. Allele origin: germline. Affected: yes. Observed: 1 variant allele.
Comment: ARID2: BP4, BP7

NM_152641.4(ARID2):c.3342A>G (p.Gln1114=)

Gene: ARID2 (AT-rich interaction domain 2; plus strand). Cytogenetic location: 12q12.
Variant type: single nucleotide variant.
Coding change: c.3342A>G on transcript NM_152641.4 (MANE Select); coding-DNA position 3342, A replaced by G.
Protein change: p.Gln1114=; no amino-acid change (glutamine 1114 retained).
Molecular consequence: synonymous variant.
Genome position (GRCh38, 1-based): chr12:45,851,465, A>G. VCF-style: chr12-45851465-A-G. GRCh37 (hg19) VCF-style: chr12-46245248-A-G.
Other names: c.3342A>G, p.Gln1114= (NM_001347839.2).
Identifiers: ClinVar variation 3067751 (VCV003067751.21), dbSNP rs1448949506, ClinGen allele CA479692971.
Genomic context (GRCh38, chr12:45,851,465, plus strand): 5'-CCCTCAGGTGGTCTATCAGGTGGCCAGTAACCAAGCCGCAGGTTTTGGAGTGCAGGGGCA[A>G]ACTCCAGCTCAGCAGCTATTGGTTGGGCAGCAAAATGTTCAGTTGGTCCCAAGTGCAATG-3'
Protein context (NP_689854.2, residues 1104-1124): NQAAGFGVQG[Gln1114=]TPAQQLLVGQ